The following is an entry in ClinVar:

ClinVar aggregate classification (germline): Uncertain significance. Review status: criteria provided, multiple submitters, no conflicts (2 of 4 stars). 2 submissions from 2 submitters: Uncertain significance (2). Last evaluated 2025-09-26.

Conditions:
Developmental and epileptic encephalopathy, 34 (DEE34). Also called: SLC12A5-Related Epilepsy of Infancy with Migrating Focal Seizures; Early infantile epileptic encephalopathy 34. Identifiers: Orphanet 293181, MedGen C4225257, MONDO:0014718, OMIM 616645.

Allele frequency attached by ClinVar (database versions not stated): gnomAD exomes below 0.00001; ExAC 0.00001; gnomAD 0.00001.
gnomAD v4.1: 8 of 1,613,666 alleles (0.0005%); highest among the groups gnomAD compares: South Asian, 0.0011%; no homozygotes.

Submissions (2):

Ambry Genetics
Classification: Uncertain significance. Last evaluated: 2025-09-26. Review status: criteria provided, single submitter. Criteria: Ambry Variant Classification Scheme 2023. Collection method: clinical testing. Allele origin: germline.

Labcorp Genetics (formerly Invitae), Labcorp
Classification: Uncertain significance for Developmental and epileptic encephalopathy, 34. Last evaluated: 2022-05-30. Review status: criteria provided, single submitter. Criteria: Invitae Variant Classification Sherloc (09022015). Collection method: clinical testing. Allele origin: germline.
Comment: This sequence change replaces glycine, which is neutral and non-polar, with aspartic acid, which is acidic and polar, at codon 382 of the SLC12A5 protein (p.Gly382Asp). In summary, the available evidence is currently insufficient to determine the role of this variant in disease. Therefore, it has been classified as a Variant of Uncertain Significance. Advanced modeling of protein sequence and biophysical properties (such as structural, functional, and spatial information, amino acid conservation, physicochemical variation, residue mobility, and thermodynamic stability) performed at Invitae indicates that this missense variant is not expected to disrupt SLC12A5 protein function. This variant has not been reported in the literature in individuals affected with SLC12A5-related conditions. This variant is present in population databases (rs761325361, gnomAD 0.003%).

NM_020708.5(SLC12A5):c.1145G>A (p.Gly382Asp)

Gene: SLC12A5 (solute carrier family 12 member 5; plus strand). Cytogenetic location: 20q13.12.
Variant type: single nucleotide variant.
Coding change: c.1145G>A on transcript NM_020708.5 (MANE Select); coding-DNA position 1145, G replaced by A.
Protein change: p.Gly382Asp; replaces glycine 382 with aspartic acid.
Molecular consequence: missense variant.
Genome position (GRCh38, 1-based): chr20:46,043,231, G>A. VCF-style: chr20-46043231-G-A. GRCh37 (hg19) VCF-style: chr20-44671870-G-A.
Other names: c.1214G>A, p.Gly405Asp (NM_001134771.2); c.1214G>A (NM_001134771.1); short protein forms G405D, G382D.
Identifiers: ClinVar variation 2096682 (VCV002096682.5), dbSNP rs761325361, ClinGen allele CA9887257.